The following is an entry in ClinVar:

ClinVar aggregate classification (germline): Likely benign. Review status: criteria provided, multiple submitters, no conflicts (2 of 4 stars). 3 submissions from 3 submitters: Likely benign (2). 1 of the submissions does not count toward it. Last evaluated 2025-09-06.

Conditions:
BACH2-related disorder. Also called: BACH2-related condition.

Allele frequency attached by ClinVar (database versions not stated): gnomAD 0.00004 and 0.00009; gnomAD exomes 0.00004 and 0.00012; TOPMed 0.00007; ExAC 0.00009; 1000 Genomes Project 30x 0.00047; 1000 Genomes Project 0.00060.
gnomAD v4.1: 73 of 1,614,242 alleles (0.0045%); highest among the groups gnomAD compares: East Asian, 0.078%; no homozygotes.

Submissions (3):

Labcorp Genetics (formerly Invitae), Labcorp
Classification: Likely benign. Last evaluated: 2025-09-06. Review status: criteria provided, single submitter. Criteria: Invitae Variant Classification Sherloc (09022015). Collection method: clinical testing. Allele origin: germline.

Blueprint Genetics
Classification: Likely benign. Last evaluated: 2024-09-18. Review status: criteria provided, single submitter. Criteria: ACMG Guidelines, 2015. Collection method: clinical testing. Allele origin: germline.

PreventionGenetics, part of Exact Sciences
Classification: Likely benign for BACH2-related condition. Last evaluated: 2019-10-28. Review status: no assertion criteria provided. Collection method: clinical testing. Allele origin: germline. Not counted in ClinVar's aggregate classification.
Comment: This variant is classified as likely benign based on ACMG/AMP sequence variant interpretation guidelines (Richards et al. 2015 PMID: 25741868, with internal and published modifications).

NM_021813.4(BACH2):c.399C>G (p.Leu133=)

Gene: BACH2 (BACH transcriptional regulator 2; minus strand). Cytogenetic location: 6q15.
Variant type: single nucleotide variant.
Coding change: c.399C>G on transcript NM_021813.4 (MANE Select); coding-DNA position 399, C replaced by G.
Protein change: p.Leu133=; no amino-acid change (leucine 133 retained).
Molecular consequence: synonymous variant.
Genome position (GRCh38, 1-based): chr6:89,951,707, G>C on the plus strand (C>G on the coding strand, the complement: BACH2 is on the minus strand). VCF-style: chr6-89951707-G-C. GRCh37 (hg19) VCF-style: chr6-90661426-G-C.
Other names: c.399C>G (NM_021813.3); c.399C>G, p.Leu133= (NM_001170794.2).
Identifiers: ClinVar variation 1674916 (VCV001674916.11), dbSNP rs570273534, ClinGen allele CA3928177.